The following is an entry in ClinVar:

ClinVar aggregate classification (germline): Uncertain significance (1 of 4 stars; one submission).

gnomAD v4.1: 4 of 1,198,520 alleles (0.00033%); highest among the groups gnomAD compares: Non-Finnish European, 0.00034%; no homozygotes.

Submission:

Ambry Genetics
Classification: Uncertain significance. Last evaluated: 2026-05-12. Review status: criteria provided, single submitter. Criteria: Ambry Variant Classification Scheme 2023. Collection method: clinical testing. Allele origin: germline.
Comment: The c.3532G>A (p.G1178R) alteration is located in exon 4 (coding exon 4) of the BCORL1 gene. This alteration results from a G to A substitution at nucleotide position 3532, causing the glycine (G) at amino acid position 1178 to be replaced by an arginine (R). Based on data from gnomAD, the A allele has an overall frequency of 0.001% (1/165630) total alleles studied. The highest observed frequency was 0.001% (1/75882) of European (non-Finnish) alleles. Based on insufficient or conflicting evidence, the clinical significance of this alteration remains unclear.

NM_001379451.1(BCORL1):c.3532G>A (p.Gly1178Arg)

Gene: BCORL1 (BCL6 corepressor like 1; plus strand). Cytogenetic location: Xq26.1.
Variant type: single nucleotide variant.
Coding change: c.3532G>A on transcript NM_001379451.1 (MANE Select); coding-DNA position 3532, G replaced by A.
Protein change: p.Gly1178Arg; replaces glycine 1178 with arginine.
Molecular consequence: missense variant.
Genome position (GRCh38, 1-based): chrX:130,021,075, G>A. VCF-style: chrX-130021075-G-A. GRCh37 (hg19) VCF-style: chrX-129155050-G-A.
Other names: c.3532G>A, p.Gly1178Arg (NM_001184772.3, NM_001379450.1, NM_001441326.1 and 7 more transcripts); short protein forms G1178R.
Identifiers: ClinVar variation 4867438 (VCV004867438.1).
Genomic context (GRCh38, chrX:130,021,075, plus strand): 5'-TCCACCAAGAAAAGCCCCAGGGGGGCTTCAGATTCAGGAAAAGAGCACAATGGAGTCAGG[G>A]GAAAGCACAAGCACCGGAAGCCGACAAAGCCGGAGTCCCAGTCTCCAGGAAAACGAGCCG-3'
Protein context (NP_001366380.1, residues 1168-1188): DSGKEHNGVR[Gly1178Arg]KHKHRKPTKP